The following is an entry in ClinVar:

NM_182961.4(SYNE1):c.19260+224T>C

Gene: SYNE1 (spectrin repeat containing nuclear envelope protein 1; minus strand). Cytogenetic location: 6q25.2.
Variant type: single nucleotide variant.
Coding change: c.19260+224T>C on transcript NM_182961.4 (MANE Select); 224 bases into the intron after coding-DNA position 19260, T replaced by C.
Molecular consequence: intron variant.
Genome position (GRCh38, 1-based): chr6:152,255,367, A>G on the plus strand (T>C on the coding strand, the complement: SYNE1 is on the minus strand). VCF-style: chr6-152255367-A-G. GRCh37 (hg19) VCF-style: chr6-152576502-A-G.
Other names: c.19047+224T>C (NM_033071.5).
Identifiers: ClinVar variation 672806 (VCV000672806.1), dbSNP rs141746168, ClinGen allele CA150202406.

ClinVar aggregate classification (germline): Likely benign (1 of 4 stars; one submission).

Allele frequency attached by ClinVar (database versions not stated): 1000 Genomes Project 30x 0.00437; 1000 Genomes Project 0.00479; TOPMed 0.01127; gnomAD 0.01160 and 0.01213.
gnomAD v4.1: 1,794 of 152,354 alleles (1.2%); highest among the groups gnomAD compares: Non-Finnish European, 1.8%; 21 homozygotes.

Submission:

GeneDx
Classification: Likely benign. Last evaluated: 2018-06-16. Review status: criteria provided, single submitter. Criteria: GeneDx Variant Classification (06012015). Collection method: clinical testing. Allele origin: germline. Affected: yes.
Comment: This variant is considered likely benign or benign based on one or more of the following criteria: it is a conservative change, it occurs at a poorly conserved position in the protein, it is predicted to be benign by multiple in silico algorithms, and/or has population frequency not consistent with disease.